The following is an entry in ClinVar:

NM_007118.4(TRIO):c.6909C>G (p.Gly2303=)

Gene: TRIO (trio Rho guanine nucleotide exchange factor; plus strand). Cytogenetic location: 5p15.2.
Variant type: single nucleotide variant.
Coding change: c.6909C>G on transcript NM_007118.4 (MANE Select); coding-DNA position 6909, C replaced by G.
Protein change: p.Gly2303=; no amino-acid change (glycine 2303 retained).
Molecular consequence: synonymous variant. On other transcripts: non-coding transcript variant (1).
Genome position (GRCh38, 1-based): chr5:14,487,537, C>G. VCF-style: chr5-14487537-C-G. GRCh37 (hg19) VCF-style: chr5-14487646-C-G.
Identifiers: ClinVar variation 2655341 (VCV002655341.24), dbSNP rs746628613, ClinGen allele CA443537191.

ClinVar aggregate classification (germline): Likely benign (1 of 4 stars; one submission).

Submission:

CeGaT Center for Human Genetics Tuebingen
Classification: Likely benign. Last evaluated: 2022-11-01. Review status: criteria provided, single submitter. Criteria: CeGaT Center For Human Genetics Tuebingen Variant Classification Criteria Version 2. Collection method: clinical testing. Allele origin: germline. Affected: yes. Observed: 1 variant allele.
Comment: TRIO: PM2:Supporting, BP4, BP7